The following is an entry in ClinVar:

NM_001172509.2(SATB2):c.855A>G (p.Gln285=)

Gene: SATB2 (SATB homeobox 2; minus strand). Cytogenetic location: 2q33.1.
Variant type: single nucleotide variant.
Coding change: c.855A>G on transcript NM_001172509.2 (MANE Select); coding-DNA position 855, A replaced by G.
Protein change: p.Gln285=; no amino-acid change (glutamine 285 retained).
Molecular consequence: synonymous variant.
Genome position (GRCh38, 1-based): chr2:199,349,019, T>C on the plus strand (A>G on the coding strand, the complement: SATB2 is on the minus strand). VCF-style: chr2-199349019-T-C. GRCh37 (hg19) VCF-style: chr2-200213742-T-C.
Other names: c.855A>G, p.Gln285= (NM_001172517.1, NM_015265.4).
Identifiers: ClinVar variation 469565 (VCV000469565.10), dbSNP rs904363589, ClinGen allele CA64251730.

ClinVar aggregate classification (germline): Conflicting classifications of pathogenicity. Review status: criteria provided, conflicting classifications (1 of 4 stars). 2 submissions from 2 submitters: Uncertain significance (1); Likely benign (1). Last evaluated 2023-10-13.

Conditions:
Chromosome 2q32-q33 deletion syndrome (GLASS). Also called: Glass syndrome; 2q33.1 deletion syndrome. Identifiers: Orphanet 251019, MedGen C2676739, MONDO:0012864, OMIM 612313.
SATB2-related disorder. Also called: SATB2-related condition.

Allele frequency attached by ClinVar (database versions not stated): TOPMed 0.00001.
gnomAD v4.1: 1 of 1,614,094 alleles (0.000062%); no homozygotes.

Submissions (2):

Labcorp Genetics (formerly Invitae), Labcorp
Classification: Likely benign for Chromosome 2q32-q33 deletion syndrome. Last evaluated: 2023-10-13. Review status: criteria provided, single submitter. Criteria: Invitae Variant Classification Sherloc (09022015). Collection method: clinical testing. Allele origin: germline.

PreventionGenetics, part of Exact Sciences
Classification: Uncertain significance for SATB2-related condition. Last evaluated: 2022-11-22. Review status: criteria provided, single submitter. Criteria: ACMG Guidelines, 2015. Collection method: clinical testing. Allele origin: germline.
Comment: The SATB2 c.855A>G variant is not predicted to result in an amino acid change (p.=). Available splicing in silico tools predict this alteration may create a cryptic splice donor site; however in silico predictions are not equivalent to functional evidence (Alamut Visual v1.6.1). To our knowledge, this variant has not been reported in the literature or in a large population database, indicating this variant is rare. At this time, the clinical significance of this variant is uncertain due to the absence of conclusive functional and genetic evidence.